The following is an entry in ClinVar:

ClinVar aggregate classification (germline): Uncertain significance (1 of 4 stars; one submission).

Conditions:
Zellweger spectrum disorders (ZS). Also called: Zellweger Spectrum Disorder; Zellweger Spectrum; Zellweger syndrome; Zellweger Spectrum Disorder (ZSD). Identifiers: Orphanet 912, MedGen C0043459, MONDO:0019609.

Allele frequency attached by ClinVar (database versions not stated): gnomAD exomes below 0.00001; TOPMed 0.00002; gnomAD 0.00003 and 0.00004.
gnomAD v4.1: 8 of 1,585,058 alleles (0.0005%); highest among the groups gnomAD compares: African/African-American, 0.0054%; no homozygotes.

Submission:

Labcorp Genetics (formerly Invitae), Labcorp
Classification: Uncertain significance for Zellweger spectrum disorders. Last evaluated: 2022-03-10. Review status: criteria provided, single submitter. Criteria: Invitae Variant Classification Sherloc (09022015). Collection method: clinical testing. Allele origin: germline.
Comment: This sequence change falls in intron 16 of the PEX1 gene. It does not directly change the encoded amino acid sequence of the PEX1 protein. It affects a nucleotide within the consensus splice site. This variant is not present in population databases (gnomAD no frequency). This variant has not been reported in the literature in individuals affected with PEX1-related conditions. Variants that disrupt the consensus splice site are a relatively common cause of aberrant splicing (PMID: 17576681, 9536098). Algorithms developed to predict the effect of sequence changes on RNA splicing suggest that this variant is not likely to affect RNA splicing. In summary, the available evidence is currently insufficient to determine the role of this variant in disease. Therefore, it has been classified as a Variant of Uncertain Significance.

Literature cited by the submitters: PubMed 17576681; PubMed 9536098.

NM_000466.3(PEX1):c.2719-3T>C

Gene: PEX1 (peroxisomal biogenesis factor 1; minus strand). Cytogenetic location: 7q21.2.
Variant type: single nucleotide variant.
Coding change: c.2719-3T>C on transcript NM_000466.3 (MANE Select); 3 bases into the intron before coding-DNA position 2719, T replaced by C.
Molecular consequence: intron variant.
Genome position (GRCh38, 1-based): chr7:92,496,780, A>G on the plus strand (T>C on the coding strand, the complement: PEX1 is on the minus strand). VCF-style: chr7-92496780-A-G. GRCh37 (hg19) VCF-style: chr7-92126094-A-G.
Other names: c.2548-3T>C (NM_001282677.2); c.2095-3T>C (NM_001282678.2).
Identifiers: ClinVar variation 1347754 (VCV001347754.5), dbSNP rs1034823292, ClinGen allele CA161957062.
Genomic context (GRCh38, chr7:92,496,780, plus strand): 5'-AAATATCCCGAACAGCTTGTTCACTTGCTCCAATGTATTTGCTGAGTAACTCTGGCCCCT[A>G]TTGGGTAAAATAAGAGTTGAGATAAAATTATTTAAAAAGAAAATATAAATTTGGTTTCTG-3'